The following is an entry in ClinVar:

NM_199420.4(POLQ):c.4493A>G (p.Tyr1498Cys)

Gene: POLQ (DNA polymerase theta; minus strand). Cytogenetic location: 3q13.33.
Variant type: single nucleotide variant.
Coding change: c.4493A>G on transcript NM_199420.4 (MANE Select); coding-DNA position 4493, A replaced by G.
Protein change: p.Tyr1498Cys; replaces tyrosine 1498 with cysteine.
Molecular consequence: missense variant.
Genome position (GRCh38, 1-based): chr3:121,488,438, T>C on the plus strand (A>G on the coding strand, the complement: POLQ is on the minus strand). VCF-style: chr3-121488438-T-C. GRCh37 (hg19) VCF-style: chr3-121207285-T-C.
Other names: short protein forms Y1498C.
Identifiers: ClinVar variation 1740984 (VCV001740984.3), dbSNP rs746827388, ClinGen allele CA354094948.

ClinVar aggregate classification (germline): Uncertain significance (1 of 4 stars; one submission).

gnomAD v4.1: 4 of 1,612,088 alleles (0.00025%); highest among the groups gnomAD compares: South Asian, 0.0022%; no homozygotes.

Submission:

Ambry Genetics
Classification: Uncertain significance. Last evaluated: 2024-10-21. Review status: criteria provided, single submitter. Criteria: Ambry Variant Classification Scheme 2023. Collection method: clinical testing. Allele origin: germline.
Comment: The p.Y1498C variant (also known as c.4493A>G), located in coding exon 16 of the POLQ gene, results from an A to G substitution at nucleotide position 4493. The tyrosine at codon 1498 is replaced by cysteine, an amino acid with highly dissimilar properties. This amino acid position is conserved. In addition, this alteration is predicted to be tolerated by in silico analysis. Since supporting evidence is limited at this time, the clinical significance of this alteration remains unclear.